The following is an entry in ClinVar:

NM_014625.4(NPHS2):c.874-2A>G

Genes: AXDND1 (axonemal dynein light chain domain containing 1; plus strand), NPHS2 (NPHS2 stomatin family member, podocin; minus strand). Cytogenetic location: 1q25.2.
Variant type: single nucleotide variant.
Coding change: c.874-2A>G on transcript NM_014625.4 (MANE Select); the canonical splice acceptor site of the intron before coding-DNA position 874, A replaced by G.
Molecular consequence: splice acceptor variant. On other transcripts: intron variant (1).
Genome position (GRCh38, 1-based): chr1:179,551,453, T>C on the plus strand (A>G on the coding strand, the complement: NPHS2 is on the minus strand). VCF-style: chr1-179551453-T-C. GRCh37 (hg19) VCF-style: chr1-179520588-T-C.
Other names: c.3032-3059T>C (NM_144696.6); c.670-2A>G (NM_001297575.2).
Identifiers: ClinVar variation 2202888 (VCV002202888.2), dbSNP rs1031744496, ClinGen allele CA343565946.

ClinVar aggregate classification (germline): Uncertain significance (1 of 4 stars; one submission).

Submission:

Labcorp Genetics (formerly Invitae), Labcorp
Classification: Uncertain significance. Last evaluated: 2025-12-26. Review status: criteria provided, single submitter. Criteria: Invitae Variant Classification Sherloc (09022015). Collection method: clinical testing. Allele origin: germline.
Comment: This sequence change affects an acceptor splice site in intron 7 of the NPHS2 gene. While this variant is not anticipated to result in nonsense mediated decay, it likely alters RNA splicing and results in a disrupted protein product. This variant is not present in population databases (gnomAD no frequency). Disruption of this splice site has been observed in individual(s) with NPHS2-related conditions (PMID: 18709391, 24227627). ClinVar contains an entry for this variant (Variation ID: 2202888). Variants that disrupt the consensus splice site are a relatively common cause of aberrant splicing (PMID: 17576681, 9536098). Algorithms developed to predict the effect of sequence changes on RNA splicing suggest that this variant may disrupt the consensus splice site. In summary, the available evidence is currently insufficient to determine the role of this variant in disease. Therefore, it has been classified as a Variant of Uncertain Significance.

Literature cited by the submitters: PubMed 18709391; PubMed 24227627; PubMed 17576681; PubMed 9536098.